The following is an entry in ClinVar:

ClinVar aggregate classification (germline): Uncertain significance (1 of 4 stars; one submission).

Conditions:
Inborn genetic diseases. Identifiers: MedGen C0950123, MeSH D030342.

Allele frequency attached by ClinVar (database versions not stated): ExAC below 0.00001; TOPMed below 0.00001; gnomAD 0.00001 and 0.00003; gnomAD exomes 0.00002 and 0.00004.
gnomAD v4.1: 31 of 1,205,012 alleles (0.0026%); highest among the groups gnomAD compares: South Asian, 0.035%; no homozygotes.

Submission:

Ambry Genetics
Classification: Uncertain significance for Inborn genetic diseases. Last evaluated: 2017-01-26. Review status: criteria provided, single submitter. Criteria: Ambry Variant Classification Scheme 2023. Collection method: clinical testing. Allele origin: germline.
Comment: The c.*1C>T variant is located in the 3' untranslated region (3&rsquo; UTR) of the AP1S2 gene. This variant results from a C to T substitution one nucleotide after the last translated codon. This nucleotide position is not well conserved in available vertebrate species. Since supporting evidence is limited at this time, the clinical significance of this alteration remains unclear.

NM_001272071.2(AP1S2):c.*1C>T

Gene: AP1S2 (adaptor related protein complex 1 subunit sigma 2; minus strand). Cytogenetic location: Xp22.2.
Variant type: single nucleotide variant.
Coding change: c.*1C>T on transcript NM_001272071.2 (MANE Select); 1 bases downstream of the stop codon, C replaced by T.
Molecular consequence: 3 prime UTR variant.
Genome position (GRCh38, 1-based): chrX:15,827,324, G>A on the plus strand (C>T on the coding strand, the complement: AP1S2 is on the minus strand). VCF-style: chrX-15827324-G-A. GRCh37 (hg19) VCF-style: chrX-15845447-G-A.
Other names: c.*1C>T (NM_003916.5).
Identifiers: ClinVar variation 588732 (VCV000588732.5), dbSNP rs1016898604, ClinGen allele CA10356405.